The following is an entry in ClinVar:

NM_015047.3(EMC1):c.2135G>C (p.Gly712Ala)

Genes: EMC1 (ER membrane protein complex subunit 1; minus strand), EMC1-AS1 (EMC1 antisense RNA 1; plus strand). Cytogenetic location: 1p36.13.
Variant type: single nucleotide variant.
Coding change: c.2135G>C on transcript NM_015047.3 (MANE Select); coding-DNA position 2135, G replaced by C.
Protein change: p.Gly712Ala; replaces glycine 712 with alanine.
Molecular consequence: missense variant.
Genome position (GRCh38, 1-based): chr1:19,227,380, C>G on the plus strand (G>C on the coding strand, the complement: EMC1 is on the minus strand). VCF-style: chr1-19227380-C-G. GRCh37 (hg19) VCF-style: chr1-19553874-C-G.
Other names: c.2132G>C, p.Gly711Ala (NM_001271427.2, NM_001271428.2); c.2069G>C, p.Gly690Ala (NM_001271429.2); c.2144G>C, p.Gly715Ala (NM_001375820.1); c.2141G>C, p.Gly714Ala (NM_001375821.1); short protein forms G711A, G690A, G712A, G714A, G715A.
Identifiers: ClinVar variation 3689277 (VCV003689277.2).

ClinVar aggregate classification (germline): Uncertain significance (1 of 4 stars; one submission).

Submission:

Labcorp Genetics (formerly Invitae), Labcorp
Classification: Uncertain significance. Last evaluated: 2024-08-05. Review status: criteria provided, single submitter. Criteria: Invitae Variant Classification Sherloc (09022015). Collection method: clinical testing. Allele origin: germline.
Comment: This sequence change replaces glycine, which is neutral and non-polar, with alanine, which is neutral and non-polar, at codon 712 of the EMC1 protein (p.Gly712Ala). This variant is not present in population databases (gnomAD no frequency). This variant has not been reported in the literature in individuals affected with EMC1-related conditions. Advanced modeling of protein sequence and biophysical properties (such as structural, functional, and spatial information, amino acid conservation, physicochemical variation, residue mobility, and thermodynamic stability) performed at Invitae indicates that this missense variant is not expected to disrupt EMC1 protein function with a negative predictive value of 80%. In summary, the available evidence is currently insufficient to determine the role of this variant in disease. Therefore, it has been classified as a Variant of Uncertain Significance.